The following is an entry in ClinVar:

NM_015322.5(FEM1B):c.1585G>A (p.Asp529Asn)

Gene: FEM1B (fem-1 homolog B; plus strand). Cytogenetic location: 15q23.
Variant type: single nucleotide variant.
Coding change: c.1585G>A on transcript NM_015322.5 (MANE Select); coding-DNA position 1585, G replaced by A.
Protein change: p.Asp529Asn; replaces aspartic acid 529 with asparagine.
Molecular consequence: missense variant.
Genome position (GRCh38, 1-based): chr15:68,290,943, G>A. VCF-style: chr15-68290943-G-A. GRCh37 (hg19) VCF-style: chr15-68583281-G-A.
Other names: short protein forms D529N.
Identifiers: ClinVar variation 5017968 (VCV005017968.1).
Genomic context (GRCh38, chr15:68,290,943, plus strand): 5'-TTTCCAAATGCACTTGTCACAAAGCTCCTGCTGGACTGTGGTGCTGAGGTGAATGCCGTG[G>A]ACAATGAGGGAAACAGTGCCCTTCATATTATCGTTCAGTACAACAGGCCCATCAGTGATT-3'
Protein context (NP_056137.1, residues 519-539): LDCGAEVNAV[Asp529Asn]NEGNSALHII

ClinVar aggregate classification (germline): Uncertain significance (1 of 4 stars; one submission).

Submission:

GeneDx
Classification: Uncertain significance. Last evaluated: 2026-03-31. Review status: criteria provided, single submitter. Criteria: GeneDx Variant Classification Process June 2021. Collection method: clinical testing. Allele origin: germline.
Comment: Not observed at significant frequency in large population cohorts (gnomAD); In silico analysis supports that this missense variant has a deleterious effect on protein structure/function; Has not been previously published as pathogenic or benign to our knowledge